The following is an entry in ClinVar:

ClinVar aggregate classification (germline): Uncertain significance (1 of 4 stars; one submission).

Conditions:
Cardiovascular phenotype. Identifiers: MedGen CN230736.

Submission:

Ambry Genetics
Classification: Uncertain significance for Cardiovascular phenotype. Last evaluated: 2023-09-02. Review status: criteria provided, single submitter. Criteria: Ambry Variant Classification Scheme 2023. Collection method: clinical testing. Allele origin: germline.
Comment: The p.P204L variant (also known as c.611C>T), located in coding exon 3 of the FLNC gene, results from a C to T substitution at nucleotide position 611. The proline at codon 204 is replaced by leucine, an amino acid with similar properties. This amino acid position is highly conserved in available vertebrate species. In addition, this alteration is predicted to be deleterious by in silico analysis. Since supporting evidence is limited at this time, the clinical significance of this alteration remains unclear.

NM_001458.5(FLNC):c.611C>T (p.Pro204Leu)

Gene: FLNC (filamin C; plus strand). Cytogenetic location: 7q32.1.
Variant type: single nucleotide variant.
Coding change: c.611C>T on transcript NM_001458.5 (MANE Select); coding-DNA position 611, C replaced by T.
Protein change: p.Pro204Leu; replaces proline 204 with leucine.
Molecular consequence: missense variant.
Genome position (GRCh38, 1-based): chr7:128,837,169, C>T. VCF-style: chr7-128837169-C-T. GRCh37 (hg19) VCF-style: chr7-128477223-C-T.
Other names: c.611C>T, p.Pro204Leu (NM_001127487.2); short protein forms P204L.
Identifiers: ClinVar variation 2585963 (VCV002585963.2), dbSNP rs1195807780, ClinGen allele CA369220891.